The following is an entry in ClinVar:

ClinVar aggregate classification (germline): Uncertain significance. Review status: criteria provided, multiple submitters, no conflicts (2 of 4 stars). 5 submissions from 5 submitters: Uncertain significance (4). 1 of the submissions does not count toward it. Last evaluated 2024-12-18.

Conditions:
Bloom syndrome (BLM). Also called: Bloom-Torre-Machacek syndrome. Identifiers: Orphanet 125, MedGen C0005859, MONDO:0008876, OMIM 210900.
Hereditary cancer-predisposing syndrome. Also called: Hereditary Cancer Syndrome; Hereditary neoplastic syndrome; Neoplastic Syndromes, Hereditary; Tumor predisposition. Identifiers: Orphanet 140162, MedGen C0027672, MeSH D009386, MONDO:0015356.

Allele frequency attached by ClinVar (database versions not stated): gnomAD 0.00001; gnomAD exomes 0.00001; TOPMed 0.00001; ExAC 0.00002.
gnomAD v4.1: 11 of 1,611,998 alleles (0.00068%); highest among the groups gnomAD compares: South Asian, 0.0022%; no homozygotes.

Submissions (5):

Labcorp Genetics (formerly Invitae), Labcorp
Classification: Uncertain significance for Bloom syndrome. Last evaluated: 2024-12-18. Review status: criteria provided, single submitter. Criteria: Invitae Variant Classification Sherloc (09022015). Collection method: clinical testing. Allele origin: germline.
Comment: This sequence change replaces alanine, which is neutral and non-polar, with valine, which is neutral and non-polar, at codon 538 of the BLM protein (p.Ala538Val). This variant is present in population databases (rs778593808, gnomAD 0.007%). This variant has not been reported in the literature in individuals affected with BLM-related conditions. ClinVar contains an entry for this variant (Variation ID: 405292). Invitae Evidence Modeling of protein sequence and biophysical properties (such as structural, functional, and spatial information, amino acid conservation, physicochemical variation, residue mobility, and thermodynamic stability) indicates that this missense variant is not expected to disrupt BLM protein function with a negative predictive value of 80%. In summary, the available evidence is currently insufficient to determine the role of this variant in disease. Therefore, it has been classified as a Variant of Uncertain Significance.

Ambry Genetics
Classification: Uncertain significance for Hereditary cancer-predisposing syndrome. Last evaluated: 2024-09-08. Review status: criteria provided, single submitter. Criteria: Ambry Variant Classification Scheme 2023. Collection method: clinical testing. Allele origin: germline.
Comment: The p.A538V variant (also known as c.1613C>T), located in coding exon 6 of the BLM gene, results from a C to T substitution at nucleotide position 1613. The alanine at codon 538 is replaced by valine, an amino acid with similar properties. This amino acid position is not well conserved in available vertebrate species. In addition, this alteration is predicted to be tolerated by in silico analysis. Since supporting evidence is limited at this time, the clinical significance of this alteration remains unclear.

Fulgent Genetics
Classification: Uncertain significance for Bloom syndrome. Last evaluated: 2024-03-21. Review status: criteria provided, single submitter. Criteria: ACMG Guidelines, 2015. Collection method: clinical testing. Allele origin: germline.

Mendelics
Classification: Uncertain significance for Bloom syndrome. Last evaluated: 2019-05-28. Review status: criteria provided, single submitter. Criteria: Mendelics Assertion Criteria 2017. Collection method: clinical testing. Allele origin: unknown.

Natera, Inc.
Classification: Uncertain significance for Bloom syndrome. Last evaluated: 2018-11-28. Review status: no assertion criteria provided. Collection method: clinical testing. Allele origin: germline. Not counted in ClinVar's aggregate classification.

NM_000057.4(BLM):c.1613C>T (p.Ala538Val)

Gene: BLM (BLM RecQ like helicase; plus strand). Cytogenetic location: 15q26.1.
Variant type: single nucleotide variant.
Coding change: c.1613C>T on transcript NM_000057.4 (MANE Select); coding-DNA position 1613, C replaced by T.
Protein change: p.Ala538Val; replaces alanine 538 with valine.
Molecular consequence: missense variant.
Genome position (GRCh38, 1-based): chr15:90,760,986, C>T. VCF-style: chr15-90760986-C-T. GRCh37 (hg19) VCF-style: chr15-91304216-C-T.
Other names: c.1613C>T, p.Ala538Val (NM_001287246.2, NM_001287247.2); c.488C>T, p.Ala163Val (NM_001287248.2); c.1613C>T (NM_000057.2); short protein forms A538V, A163V.
Identifiers: ClinVar variation 405292 (VCV000405292.16), dbSNP rs778593808, ClinGen allele CA7738564.
Genomic context (GRCh38, chr15:90,760,986, plus strand): 5'-CTTATTTCCCAGGAAATGTTCTCACAAGCACTGCTGTGAAAGATCAGAATAAACATACTG[C>T]TTCAATAAATGACTTAGAAAGAGAAACCCAACCTTCCTATGATATTGATAATTTTGACAT-3'
Protein context (NP_000048.1, residues 528-548): TAVKDQNKHT[Ala538Val]SINDLERETQ